The following is an entry in ClinVar:

ClinVar aggregate classification (germline): Uncertain significance (1 of 4 stars; one submission).

Conditions:
Fanconi anemia (FA). Also called: Fanconi's anemia. Identifiers: Orphanet 84, MedGen C0015625, MeSH D005199, MONDO:0019391.

Allele frequency attached by ClinVar (database versions not stated): TOPMed 0.00001.
gnomAD v4.1: 4 of 1,586,576 alleles (0.00025%); highest among the groups gnomAD compares: Non-Finnish European, 0.00035%; no homozygotes.

Submission:

Labcorp Genetics (formerly Invitae), Labcorp
Classification: Uncertain significance for Fanconi anemia. Last evaluated: 2021-08-20. Review status: criteria provided, single submitter. Criteria: Invitae Variant Classification Sherloc (09022015). Collection method: clinical testing. Allele origin: germline.
Comment: This sequence change falls in intron 9 of the FANCL gene. It does not directly change the encoded amino acid sequence of the FANCL protein. This variant is not present in population databases (ExAC no frequency). This variant has not been reported in the literature in individuals affected with FANCL-related conditions. Algorithms developed to predict the effect of sequence changes on RNA splicing suggest that this variant may create or strengthen a splice site. In summary, the available evidence is currently insufficient to determine the role of this variant in disease. Therefore, it has been classified as a Variant of Uncertain Significance.

NM_018062.4(FANCL):c.775+10C>G

Gene: FANCL (FA complementation group L; minus strand). Cytogenetic location: 2p16.1.
Variant type: single nucleotide variant.
Coding change: c.775+10C>G on transcript NM_018062.4 (MANE Select); 10 bases into the intron after coding-DNA position 775, C replaced by G.
Molecular consequence: intron variant.
Genome position (GRCh38, 1-based): chr2:58,163,424, G>C on the plus strand (C>G on the coding strand, the complement: FANCL is on the minus strand). VCF-style: chr2-58163424-G-C. GRCh37 (hg19) VCF-style: chr2-58390559-G-C.
Other names: c.820+10C>G (NM_001374615.1); c.790+10C>G (NM_001114636.2); c.835+10C>G (NM_001410792.1).
Identifiers: ClinVar variation 1019750 (VCV001019750.6), dbSNP rs751857451, ClinGen allele CA1253719938.
Genomic context (GRCh38, chr2:58,163,424, plus strand): 5'-AATAATTTAACAATGCTAGGCAAGGATTTTATGACTCTATTAAAAAACGTTTAAATCTCA[G>C]ATGTCATACCATGGTCAGCTCCAAGAAAGAAGCACTCAGGAAGCATAGTAGGATGCCTGG-3'